The following is an entry in ClinVar:

NM_004304.5(ALK):c.3685G>A (p.Val1229Met)

Gene: ALK (ALK receptor tyrosine kinase; minus strand). Cytogenetic location: 2p23.2.
Variant type: single nucleotide variant.
Coding change: c.3685G>A on transcript NM_004304.5 (MANE Select); coding-DNA position 3685, G replaced by A.
Protein change: p.Val1229Met; replaces valine 1229 with methionine.
Molecular consequence: missense variant.
Genome position (GRCh38, 1-based): chr2:29,214,042, C>T on the plus strand (G>A on the coding strand, the complement: ALK is on the minus strand). VCF-style: chr2-29214042-C-T. GRCh37 (hg19) VCF-style: chr2-29436908-C-T.
Other names: c.481G>A, p.Val161Met (NM_001353765.2); short protein forms V1229M, V161M.
Identifiers: ClinVar variation 217853 (VCV000217853.12), dbSNP rs776228721, ClinGen allele CA277826.

ClinVar aggregate classification (germline): Uncertain significance. Review status: criteria provided, multiple submitters, no conflicts (2 of 4 stars). 4 submissions from 4 submitters: Uncertain significance (3). 1 of the submissions does not count toward it. Last evaluated 2026-01-27.

Conditions:
Hereditary cancer-predisposing syndrome. Also called: Tumor predisposition; Hereditary Cancer Syndrome; Neoplastic Syndromes, Hereditary; Hereditary neoplastic syndrome. Identifiers: Orphanet 140162, MedGen C0027672, MeSH D009386, MONDO:0015356.
Neuroblastoma, susceptibility to, 3. Also called: ALK-Related Neuroblastic Tumor Susceptibility. Identifiers: Orphanet 635, MedGen C2751681, MONDO:0013083, OMIM 613014.

Allele frequency attached by ClinVar (database versions not stated): ExAC 0.00002.
gnomAD v4.1: 32 of 1,614,062 alleles (0.002%); highest among the groups gnomAD compares: South Asian, 0.0099%; no homozygotes.

Submissions (4):

Labcorp Genetics (formerly Invitae), Labcorp
Classification: Uncertain significance for Neuroblastoma, susceptibility to, 3. Last evaluated: 2026-01-27. Review status: criteria provided, single submitter. Criteria: Invitae Variant Classification Sherloc (09022015). Collection method: clinical testing. Allele origin: germline.
Comment: This sequence change replaces valine, which is neutral and non-polar, with methionine, which is neutral and non-polar, at codon 1229 of the ALK protein (p.Val1229Met). This variant is present in population databases (rs776228721, gnomAD 0.01%). This variant has not been reported in the literature in individuals affected with ALK-related conditions. ClinVar contains an entry for this variant (Variation ID: 217853). An algorithm developed to predict the effect of missense changes on protein structure and function (PolyPhen-2) suggests that this variant is likely to be disruptive. In summary, the available evidence is currently insufficient to determine the role of this variant in disease. Therefore, it has been classified as a Variant of Uncertain Significance.

Ambry Genetics
Classification: Uncertain significance for Hereditary cancer-predisposing syndrome. Last evaluated: 2023-12-14. Review status: criteria provided, single submitter. Criteria: Ambry Variant Classification Scheme 2023. Collection method: clinical testing. Allele origin: germline.
Comment: The p.V1229M variant (also known as c.3685G>A), located in coding exon 24 of the ALK gene, results from a G to A substitution at nucleotide position 3685. The valine at codon 1229 is replaced by methionine, an amino acid with highly similar properties. This variant has been reported in 1/1120 pediatric cancer patients who underwent whole genome sequencing and/or whole exome sequencing; this patient was diagnosed with acute lymphoblastic leukemia (ALL) (Zhang J et al. N Engl J Med, 2015 Dec;373:2336-2346). This amino acid position is well conserved in available vertebrate species. In addition, the in silico prediction for this alteration is inconclusive. Since supporting evidence is limited at this time, the clinical significance of this alteration remains unclear.

Baylor Genetics
Classification: Uncertain significance for Neuroblastoma, susceptibility to, 3. Last evaluated: 2023-11-07. Review status: criteria provided, single submitter. Criteria: ACMG Guidelines, 2015. Collection method: clinical testing. Allele origin: unknown.

Genomic Diagnostic Laboratory, Division of Genomic Diagnostics, Children's Hospital of Philadelphia
Classification: Uncertain significance for Neuroblastoma, susceptibility to, 3. Last evaluated: 2015-10-07. Review status: no assertion criteria provided. Collection method: clinical testing. Allele origin: germline. Affected: yes. Observed: 1 variant allele. Not counted in ClinVar's aggregate classification.
Comment: Clinical Testing

Literature cited by the submitters: PubMed 26580448 (cited by Ambry Genetics).